The following is an entry in ClinVar:

NM_153676.4(USH1C):c.2041C>T (p.Arg681Ter)

Gene: USH1C (USH1 protein network component harmonin; minus strand). Cytogenetic location: 11p15.1.
Variant type: single nucleotide variant.
Coding change: c.2041C>T on transcript NM_153676.4 (MANE Select); coding-DNA position 2041, C replaced by T.
Protein change: p.Arg681Ter; replaces arginine 681 with a stop codon.
Molecular consequence: nonsense. On other transcripts: intron variant (2).
Genome position (GRCh38, 1-based): chr11:17,505,922, G>A on the plus strand (C>T on the coding strand, the complement: USH1C is on the minus strand). VCF-style: chr11-17505922-G-A. GRCh37 (hg19) VCF-style: chr11-17527469-G-A.
Other names: c.1228-3942C>T (NM_001297764.2); c.1285-3942C>T (NM_005709.4); short protein forms R681*.
Identifiers: ClinVar variation 550266 (VCV000550266.16), dbSNP rs369369849, ClinGen allele CA5904370.

ClinVar aggregate classification (germline): Conflicting classifications of pathogenicity. Review status: criteria provided, conflicting classifications (1 of 4 stars). 6 submissions from 6 submitters: Likely pathogenic (3); Uncertain significance (1); Likely benign (1). 1 of the submissions does not count toward it. Last evaluated 2026-07-08.

Conditions:
Autosomal recessive nonsyndromic hearing loss 18A. Also called: Deafness, autosomal recessive 18A; DEAFNESS, AUTOSOMAL RECESSIVE 18. Identifiers: Orphanet 90636, MedGen C1865870, MONDO:0011192, OMIM 602092.
Usher syndrome type 1C. Also called: USHER SYNDROME, TYPE I, ACADIAN VARIETY. Identifiers: Orphanet 231169, Orphanet 886, MedGen C1848604, MONDO:0010171, OMIM 276904.

Allele frequency attached by ClinVar (database versions not stated): gnomAD 0.00001; gnomAD exomes 0.00001 and 0.00002; ExAC 0.00003; TOPMed 0.00003; ESP Exome Variant Server 0.00008.

Submissions (6):

GeneDx
Classification: Uncertain significance. Last evaluated: 2026-07-08. Review status: criteria provided, single submitter. Criteria: GeneDx Variant Classification Process June 2021. Collection method: clinical testing. Allele origin: germline.
Comment: Nonsense variant predicted to result in protein truncation or nonsense mediated decay in a gene or region of a gene for which loss of function is not a well-established mechanism of disease; Reported using an alternate transcript of the gene; This variant is associated with the following publications: (PMID: 26445815)

Genetics Research Center, University of Social Welfare and Rehabilitation Sciences
Classification: Likely pathogenic for Autosomal recessive nonsyndromic hearing loss 18A. Last evaluated: 2025-12-09. Review status: criteria provided, single submitter. Criteria: ACMG Guidelines, 2015. Collection method: research. Allele origin: germline. Affected: yes.
Comment: The variant is present at a very low frequency in the gnomAD v2.1.1 dataset (allele frequency: 0.002%) and has been reported in individual(s) affected with USH1C-related hearing loss (PMID:26445815). It is a stop-gain mutation expected to disrupt normal protein function either through nonsense-mediated decay (NMD) or by producing a truncated protein.

Laboratory of Medical Genetics, National & Kapodistrian University of Athens
Classification: Likely pathogenic for Usher syndrome type 1C. Last evaluated: 2024-02-01. Review status: criteria provided, single submitter. Criteria: ACMG Guidelines, 2015. Collection method: curation. Allele origin: germline. Affected: no.

Labcorp Genetics (formerly Invitae), Labcorp
Classification: Likely benign. Last evaluated: 2021-04-04. Review status: criteria provided, single submitter. Criteria: Invitae Variant Classification Sherloc (09022015). Collection method: clinical testing. Allele origin: germline.

Juno Genomics, Hangzhou Juno Genomics, Inc
Classification: Likely pathogenic for Usher syndrome type 1C; Autosomal recessive nonsyndromic hearing loss 18A. Review status: criteria provided, single submitter. Criteria: ACMG Guidelines, 2015. Collection method: clinical testing. Allele origin: germline.
Comment: Null variant in a gene where loss of function (LOF) is a known mechanism of disease.;Absent from controls (or at extremely low frequency if recessive) in Genome Aggregation Database.

Counsyl
Classification: Uncertain significance for Usher syndrome type 1C; Autosomal recessive nonsyndromic hearing loss 18A. Last evaluated: 2016-12-27. Review status: no assertion criteria provided. Collection method: clinical testing. Allele origin: unknown. Not counted in ClinVar's aggregate classification.

Literature cited by the submitters: PubMed 26445815 (cited by Genetics Research Center, University of Social Welfare and Rehabilitation Sciences and Counsyl).